The following is an entry in ClinVar:

ClinVar aggregate classification (germline): Uncertain significance (1 of 4 stars; one submission).

Conditions:
Charcot-Marie-Tooth disease type 2. Also called: Charcot-Marie-Tooth type 2. Identifiers: Orphanet 64746, MedGen C0270914, MONDO:0018993.

Submission:

Labcorp Genetics (formerly Invitae), Labcorp
Classification: Uncertain significance for Charcot-Marie-Tooth disease type 2. Last evaluated: 2026-01-27. Review status: criteria provided, single submitter. Criteria: Invitae Variant Classification Sherloc (09022015). Collection method: clinical testing. Allele origin: germline.
Comment: This sequence change replaces asparagine, which is neutral and polar, with isoleucine, which is neutral and non-polar, at codon 911 of the AARS protein (p.Asn911Ile). This variant is not present in population databases (gnomAD no frequency). This variant has not been reported in the literature in individuals affected with AARS-related conditions. Invitae Evidence Modeling of protein sequence and biophysical properties (such as structural, functional, and spatial information, amino acid conservation, physicochemical variation, residue mobility, and thermodynamic stability) indicates that this missense variant is not expected to disrupt AARS protein function with a negative predictive value of 95%. In summary, the available evidence is currently insufficient to determine the role of this variant in disease. Therefore, it has been classified as a Variant of Uncertain Significance.

NM_001605.3(AARS1):c.2732A>T (p.Asn911Ile)

Gene: AARS1 (alanyl-tRNA synthetase 1; minus strand). Cytogenetic location: 16q22.1.
Variant type: single nucleotide variant.
Coding change: c.2732A>T on transcript NM_001605.3 (MANE Select); coding-DNA position 2732, A replaced by T.
Protein change: p.Asn911Ile; replaces asparagine 911 with isoleucine.
Molecular consequence: missense variant.
Genome position (GRCh38, 1-based): chr16:70,252,896, T>A on the plus strand (A>T on the coding strand, the complement: AARS1 is on the minus strand). VCF-style: chr16-70252896-T-A. GRCh37 (hg19) VCF-style: chr16-70286799-T-A.
Other names: short protein forms N911I.
Identifiers: ClinVar variation 4775867 (VCV004775867.1).